The following is an entry in ClinVar:

ClinVar aggregate classification (germline): Uncertain significance (1 of 4 stars; one submission).

Allele frequency attached by ClinVar (database versions not stated): ExAC 0.00004; gnomAD 0.00005.
gnomAD v4.1: 74 of 1,612,800 alleles (0.0046%); highest among the groups gnomAD compares: Middle Eastern, 0.016%; no homozygotes.

Submission:

Ambry Genetics
Classification: Uncertain significance. Last evaluated: 2026-02-16. Review status: criteria provided, single submitter. Criteria: Ambry Variant Classification Scheme 2023. Collection method: clinical testing. Allele origin: germline.
Comment: The c.13216C>T (p.P4406S) alteration is located in exon 7 (coding exon 7) of the AHNAK2 gene. This alteration results from a C to T substitution at nucleotide position 13216, causing the proline (P) at amino acid position 4406 to be replaced by a serine (S). Based on data from gnomAD, the T allele has an overall frequency of 0.004% (12/280482) total alleles studied. The highest observed frequency was 0.028% (2/7136) of Other alleles. Based on insufficient or conflicting evidence, the clinical significance of this alteration remains unclear.

NM_138420.4(AHNAK2):c.13216C>T (p.Pro4406Ser)

Gene: AHNAK2 (AHNAK nucleoprotein 2; minus strand). Cytogenetic location: 14q32.33.
Variant type: single nucleotide variant.
Coding change: c.13216C>T on transcript NM_138420.4 (MANE Select); coding-DNA position 13216, C replaced by T.
Protein change: p.Pro4406Ser; replaces proline 4406 with serine.
Molecular consequence: missense variant.
Genome position (GRCh38, 1-based): chr14:104,942,235, G>A on the plus strand (C>T on the coding strand, the complement: AHNAK2 is on the minus strand). VCF-style: chr14-104942235-G-A. GRCh37 (hg19) VCF-style: chr14-105408572-G-A.
Other names: c.12916C>T, p.Pro4306Ser (NM_001350929.2); short protein forms P4406S, P4306S.
Identifiers: ClinVar variation 2348162 (VCV002348162.3), dbSNP rs755104044, ClinGen allele CA7377998.